The following is an entry in ClinVar:

NM_015001.3(SPEN):c.5898C>T (p.Asn1966=)

Gene: SPEN (spen family transcriptional repressor; plus strand). Cytogenetic location: 1p36.13.
Variant type: single nucleotide variant.
Coding change: c.5898C>T on transcript NM_015001.3 (MANE Select); coding-DNA position 5898, C replaced by T.
Protein change: p.Asn1966=; no amino-acid change (asparagine 1966 retained).
Molecular consequence: synonymous variant.
Genome position (GRCh38, 1-based): chr1:15,932,138, C>T. VCF-style: chr1-15932138-C-T. GRCh37 (hg19) VCF-style: chr1-16258633-C-T.
Other names: c.5898C>T (NM_015001.2).
Identifiers: ClinVar variation 2638325 (VCV002638325.26), dbSNP rs144604448, ClinGen allele CA619816.

ClinVar aggregate classification (germline): Likely benign. Review status: criteria provided, multiple submitters, no conflicts (2 of 4 stars). 3 submissions from 3 submitters: Likely benign (2). 1 of the submissions does not count toward it. Last evaluated 2026-06-01.

Conditions:
SPEN-related disorder. Also called: SPEN-related condition.

Allele frequency attached by ClinVar (database versions not stated): 1000 Genomes Project 0.00020; TOPMed 0.00022; gnomAD 0.00027; 1000 Genomes Project 30x 0.00031; ESP Exome Variant Server 0.00031; gnomAD exomes 0.00039; ExAC 0.00072.
gnomAD v4.1: 634 of 1,613,528 alleles (0.039%); highest among the groups gnomAD compares: South Asian, 0.43%; 6 homozygotes.

Submissions (3):

CeGaT Center for Human Genetics Tuebingen
Classification: Likely benign. Last evaluated: 2026-06-01. Review status: criteria provided, single submitter. Criteria: CeGaT Center For Human Genetics Tuebingen Variant Classification Criteria Version 2. Collection method: clinical testing. Allele origin: germline. Affected: yes. Observed: 4 variant alleles.
Comment: SPEN: BP4, BP7, BS1

Blueprint Genetics
Classification: Likely benign. Last evaluated: 2024-11-26. Review status: criteria provided, single submitter. Criteria: ACMG Guidelines, 2015. Collection method: clinical testing. Allele origin: germline.

PreventionGenetics, part of Exact Sciences
Classification: Likely benign for SPEN-related condition. Last evaluated: 2019-10-28. Review status: no assertion criteria provided. Collection method: clinical testing. Allele origin: germline. Not counted in ClinVar's aggregate classification.
Comment: This variant is classified as likely benign based on ACMG/AMP sequence variant interpretation guidelines (Richards et al. 2015 PMID: 25741868, with internal and published modifications).